The following is an entry in ClinVar:

ClinVar aggregate classification (germline): Uncertain significance (1 of 4 stars; one submission).

Allele frequency attached by ClinVar (database versions not stated): gnomAD exomes below 0.00001 and 0.00001; gnomAD 0.00001; TOPMed 0.00001.
gnomAD v4.1: 4 of 1,597,766 alleles (0.00025%); highest among the groups gnomAD compares: African/African-American, 0.0053%; no homozygotes.

Submission:

Labcorp Genetics (formerly Invitae), Labcorp
Classification: Uncertain significance. Last evaluated: 2022-05-27. Review status: criteria provided, single submitter. Criteria: Invitae Variant Classification Sherloc (09022015). Collection method: clinical testing. Allele origin: germline.
Comment: In summary, the available evidence is currently insufficient to determine the role of this variant in disease. Therefore, it has been classified as a Variant of Uncertain Significance. Algorithms developed to predict the effect of missense changes on protein structure and function are either unavailable or do not agree on the potential impact of this missense change (SIFT: "Tolerated"; PolyPhen-2: "Probably Damaging"; Align-GVGD: "Class C0"). ClinVar contains an entry for this variant (Variation ID: 1061436). This variant has not been reported in the literature in individuals affected with SZT2-related conditions. This variant is present in population databases (no rsID available, gnomAD 0.01%). This sequence change replaces leucine, which is neutral and non-polar, with phenylalanine, which is neutral and non-polar, at codon 818 of the SZT2 protein (p.Leu818Phe).

NM_001365999.1(SZT2):c.2452C>T (p.Leu818Phe)

Gene: SZT2 (SZT2 subunit of KICSTOR complex; plus strand). Cytogenetic location: 1p34.2.
Variant type: single nucleotide variant.
Coding change: c.2452C>T on transcript NM_001365999.1 (MANE Select); coding-DNA position 2452, C replaced by T.
Protein change: p.Leu818Phe; replaces leucine 818 with phenylalanine.
Molecular consequence: missense variant.
Genome position (GRCh38, 1-based): chr1:43,424,413, C>T. VCF-style: chr1-43424413-C-T. GRCh37 (hg19) VCF-style: chr1-43890084-C-T.
Other names: c.2452C>T, p.Leu818Phe (NM_015284.4); short protein forms L818F.
Identifiers: ClinVar variation 1061436 (VCV001061436.7), dbSNP rs1351057818, ClinGen allele CA340013017.